The following is an entry in ClinVar:

NM_002110.5(HCK):c.377del (p.Gly126fs)

Gene: HCK (HCK proto-oncogene, Src family tyrosine kinase; plus strand). Cytogenetic location: 20q11.21.
Variant type: Deletion.
Coding change: c.377del on transcript NM_002110.5 (MANE Select); coding-DNA position 377, one base deleted (G; older notation c.377delG).
Protein change: p.Gly126fs; shifts the reading frame from glycine 126.
Molecular consequence: frameshift variant.
Genome position (GRCh38, 1-based): chr20:32,074,670, G deleted; the last of 3 consecutive G bases (chr20:32,074,668-32,074,670); deleting any one gives the same sequence. VCF-style (leftmost placement, unchanged base first): chr20-32074667-AG-A. GRCh37 (hg19) VCF-style: chr20-30662470-AG-A.
Other names: c.314del, p.Gly105fs (NM_001172129.3, NM_001172133.3); c.374del, p.Gly125fs (NM_001172130.3); c.311del, p.Gly104fs (NM_001172131.3); c.317del, p.Gly106fs (NM_001172132.3); c.377delG (NM_002110.5); short protein forms G104fs, G105fs, G106fs, G125fs, G126fs.
Identifiers: ClinVar variation 4847937 (VCV004847937.1).

ClinVar aggregate classification (germline): Uncertain significance (1 of 4 stars; one submission).

Submission:

Women's Health and Genetics/Laboratory Corporation of America, LabCorp
Classification: Uncertain significance. Last evaluated: 2026-02-10. Review status: criteria provided, single submitter. Criteria: LabCorp Variant Classification Summary - May 2015. Collection method: clinical testing. Allele origin: germline.
Comment: Variant summary: HCK c.377delG (p.Gly126AlafsX44) results in a premature termination codon, predicted to cause a truncation of the encoded protein or absence of the protein due to nonsense mediated decay, however current evidence is not sufficient to establish loss of function as a mechanism for disease. The variant allele was found at a frequency of 3.2e-05 in 251446 control chromosomes. The available data on variant occurrences in the general population are insufficient to allow any conclusion about variant significance. To our knowledge, no occurrence of c.377delG in individuals affected with HCK-related conditions and no experimental evidence demonstrating its impact on protein function have been reported. No submitters have cited clinical-significance assessments for this variant to ClinVar. Based on the evidence outlined above, the variant was classified as uncertain significance.